The following is an entry in ClinVar:

ClinVar aggregate classification (germline): Conflicting classifications of pathogenicity. Review status: criteria provided, conflicting classifications (1 of 4 stars). 17 submissions from 13 submitters: Uncertain significance (1); Benign (7); Likely benign (9). Last evaluated 2026-03-01.

Conditions:
Multiple endocrine neoplasia. Identifiers: Orphanet 276161, MedGen C0027662, MONDO:0017169.
Multiple endocrine neoplasia, type 2 (MEN2). Identifiers: Orphanet 653, MedGen C4048306, MONDO:0019003. Disease mechanism: gain of function.
Multiple endocrine neoplasia type 2B. Also called: Multiple endocrine neoplasia, type 3; MEN 2B; MEN IIB; NEUROMATA, MUCOSAL, WITH ENDOCRINE TUMORS; Multiple Endocrine Neoplasia Type 2B (MEN2B); WAGENMANN-FROBOESE SYNDROME. Identifiers: Orphanet 247709, Orphanet 653, MedGen C0025269, MeSH D018814, MONDO:0008082, OMIM 162300.
Hirschsprung disease, susceptibility to, 1 (HSCR1). Also called: RET-Related Hirschsprung Disease. Identifiers: Orphanet 388, MedGen C3888239, MONDO:0007723, OMIM 142623.
Pheochromocytoma. Also called: MAX-Related Hereditary Paraganglioma-Pheochromocytoma Syndrome. Identifiers: Orphanet 29072, MedGen C0031511, MONDO:0008233, OMIM 171300, HP:0002666.
Renal hypodysplasia/aplasia 1 (RHDA1). Also called: RENAL APLASIA; HEREDITARY RENAL APLASIA. Identifiers: Orphanet 411709, MedGen C1619700, MONDO:0024519, OMIM 191830.
Hereditary cancer-predisposing syndrome. Also called: Hereditary neoplastic syndrome; Tumor predisposition; Neoplastic Syndromes, Hereditary; Hereditary Cancer Syndrome. Identifiers: Orphanet 140162, MedGen C0027672, MeSH D009386, MONDO:0015356.

Allele frequency attached by ClinVar (database versions not stated): gnomAD exomes 0.00006 and 0.00021; ExAC 0.00026; ESP Exome Variant Server 0.00038; gnomAD 0.00078 and 0.00079; 1000 Genomes Project 0.00120; 1000 Genomes Project 30x 0.00125; TOPMed 0.00091.
gnomAD v4.1: 230 of 1,613,752 alleles (0.014%); highest among the groups gnomAD compares: African/African-American, 0.23%; no homozygotes.

Submissions (17):

CeGaT Center for Human Genetics Tuebingen
Classification: Likely benign. Last evaluated: 2026-03-01. Review status: criteria provided, single submitter. Criteria: CeGaT Center For Human Genetics Tuebingen Variant Classification Criteria Version 2. Collection method: clinical testing. Allele origin: germline. Affected: yes. Observed: 2 variant alleles.
Comment: RET: BP4, BP7, BS1

Labcorp Genetics (formerly Invitae), Labcorp
Classification: Benign for Multiple endocrine neoplasia, type 2. Last evaluated: 2026-02-03. Review status: criteria provided, single submitter. Criteria: Invitae Variant Classification Sherloc (09022015). Collection method: clinical testing. Allele origin: germline.

Women's Health and Genetics/Laboratory Corporation of America, LabCorp
Classification: Benign. Last evaluated: 2025-12-14. Review status: criteria provided, single submitter. Criteria: LabCorp Variant Classification Summary - May 2015. Collection method: clinical testing. Allele origin: germline.

Quest Diagnostics Nichols Institute San Juan Capistrano
Classification: Benign. Last evaluated: 2025-09-11. Review status: criteria provided, single submitter. Criteria: Quest Diagnostics criteria. Collection method: clinical testing. Allele origin: unknown.

KCCC/NGS Laboratory, Kuwait Cancer Control Center
Classification: Benign for Pheochromocytoma. Last evaluated: 2025-02-01. Review status: criteria provided, single submitter. Criteria: ACMG Guidelines, 2015. Collection method: clinical testing. Allele origin: germline. Affected: no.

Blueprint Genetics
Classification: Likely benign. Last evaluated: 2024-07-04. Review status: criteria provided, single submitter. Criteria: ACMG Guidelines, 2015. Collection method: clinical testing. Allele origin: germline.

KCCC/NGS Laboratory, Kuwait Cancer Control Center
Classification: Benign for Multiple endocrine neoplasia type 2B. Last evaluated: 2023-07-07. Review status: criteria provided, single submitter. Criteria: ACMG Guidelines, 2015. Collection method: clinical testing. Allele origin: germline. Affected: yes.

Color Diagnostics, LLC DBA Color Health
Classification: Likely benign for Multiple endocrine neoplasia, type 2. Last evaluated: 2022-11-06. Review status: criteria provided, single submitter. Criteria: ACMG Guidelines, 2015. Collection method: clinical testing. Allele origin: germline.

Sema4
Classification: Likely benign for Hereditary cancer-predisposing syndrome. Last evaluated: 2022-01-20. Review status: criteria provided, single submitter. Criteria: Sema4 Curation Guidelines. Collection method: curation. Allele origin: germline.

GeneDx
Classification: Likely benign. Last evaluated: 2018-05-07. Review status: criteria provided, single submitter. Criteria: GeneDx Variant Classification (06012015). Collection method: clinical testing. Allele origin: germline. Affected: yes.
Comment: This variant is considered likely benign or benign based on one or more of the following criteria: it is a conservative change, it occurs at a poorly conserved position in the protein, it is predicted to be benign by multiple in silico algorithms, and/or has population frequency not consistent with disease.

Illumina Laboratory Services, Illumina
Classification: Benign for Multiple endocrine neoplasia. Last evaluated: 2018-01-13. Review status: criteria provided, single submitter. Criteria: ICSL Variant Classification Criteria 13 December 2019. Collection method: clinical testing. Allele origin: germline.
Comment: This variant was observed in the ICSL laboratory as part of a predisposition screen in an ostensibly healthy population. It had not been previously curated by ICSL or reported in the Human Gene Mutation Database (HGMD: prior to June 1st, 2018), and was therefore a candidate for classification through an automated scoring system. Utilizing variant allele frequency, disease prevalence and penetrance estimates, and inheritance mode, an automated score was calculated to assess if this variant is too frequent to cause the disease. Based on the score and internal cut-off values, a variant classified as benign is not then subjected to further curation. The score for this variant resulted in a classification of benign for this disease.

Illumina Laboratory Services, Illumina
Classification: Uncertain significance for Renal hypodysplasia/aplasia 1. Last evaluated: 2018-01-13. Review status: criteria provided, single submitter. Criteria: ICSL Variant Classification Criteria 13 December 2019. Collection method: clinical testing. Allele origin: germline.

Illumina Laboratory Services, Illumina
Classification: Likely benign for Hirschsprung disease, susceptibility to, 1. Last evaluated: 2018-01-13. Review status: criteria provided, single submitter. Criteria: ICSL Variant Classification Criteria 13 December 2019. Collection method: clinical testing. Allele origin: germline.
Comment: This variant was observed in the ICSL laboratory as part of a predisposition screen in an ostensibly healthy population. It had not been previously curated by ICSL or reported in the Human Gene Mutation Database (HGMD: prior to June 1st, 2018), and was therefore a candidate for classification through an automated scoring system. Utilizing variant allele frequency, disease prevalence and penetrance estimates, and inheritance mode, an automated score was calculated to assess if this variant is too frequent to cause the disease. Based on the score and internal cut-off values, a variant classified as likely benign is not then subjected to further curation. The score for this variant resulted in a classification of likely benign for this disease.

Illumina Laboratory Services, Illumina
Classification: Benign for Pheochromocytoma. Last evaluated: 2018-01-13. Review status: criteria provided, single submitter. Criteria: ICSL Variant Classification Criteria 13 December 2019. Collection method: clinical testing. Allele origin: germline.
Comment: the same text as in the submission from Illumina Laboratory Services, Illumina above.

PreventionGenetics, part of Exact Sciences
Classification: Likely benign. Last evaluated: 2017-12-20. Review status: criteria provided, single submitter. Criteria: ACMG Guidelines, 2015. Collection method: clinical testing. Allele origin: germline.

Eurofins Ntd Llc (ga)
Classification: Likely benign. Last evaluated: 2016-05-23. Review status: criteria provided, single submitter. Criteria: EGL Classification Definitions 2015. Collection method: clinical testing. Allele origin: germline. Observed: 1 variant allele, 1 heterozygote.

Ambry Genetics
Classification: Likely benign for Hereditary cancer-predisposing syndrome. Last evaluated: 2016-03-01. Review status: criteria provided, single submitter. Criteria: Ambry Variant Classification Scheme 2023. Collection method: clinical testing. Allele origin: germline.

NM_020975.6(RET):c.1119G>A (p.Ala373=)

Gene: RET (ret proto-oncogene; plus strand). Cytogenetic location: 10q11.21.
Variant type: single nucleotide variant.
Coding change: c.1119G>A on transcript NM_020975.6 (MANE Select); coding-DNA position 1119, G replaced by A.
Protein change: p.Ala373=; no amino-acid change (alanine 373 retained).
Molecular consequence: synonymous variant. On other transcripts: intron variant (18).
Genome position (GRCh38, 1-based): chr10:43,109,086, G>A. VCF-style: chr10-43109086-G-A. GRCh37 (hg19) VCF-style: chr10-43604534-G-A.
Other names: c.1119G>A, p.Ala373= (NM_000323.2, NM_001406743.1, NM_001406744.1 and 6 more transcripts); c.357G>A, p.Ala119= (NM_001355216.2); c.990G>A, p.Ala330= (NM_001406761.1, NM_001406762.1, NM_001406764.1 and 1 more transcripts); c.831G>A, p.Ala277= (NM_001406766.1, NM_001406767.1, NM_001406770.1); c.681G>A, p.Ala227= (NM_001406771.1, NM_001406773.1); c.393G>A, p.Ala131= (NM_001406775.1, NM_001406776.1, NM_001406777.1 and 1 more transcripts); c.129G>A, p.Ala43= (NM_001406784.1); c.868-2121G>A (NM_001406772.1, NM_001406769.1); and 5 more.
Identifiers: ClinVar variation 287736 (VCV000287736.59), dbSNP rs113931414, ClinGen allele CA031672.